The following is an entry in ClinVar:

NM_006206.6(PDGFRA):c.398_400del (p.Met133del)

Gene: PDGFRA (platelet derived growth factor receptor alpha; plus strand). Cytogenetic location: 4q12.
Variant type: Deletion.
Coding change: c.398_400del on transcript NM_006206.6 (MANE Select); coding-DNA positions 398 to 400, 3 bases deleted (TGA; older notation c.398_400delTGA).
Protein change: p.Met133del; deletes methionine 133.
Molecular consequence: inframe deletion.
Genome position (GRCh38, 1-based): chr4:54,263,697-54,263,699, TGA deleted; deleting any 3 consecutive bases within chr4:54,263,696-54,263,699 gives the same sequence; the c. name uses the placement nearest the transcript's 3' end. VCF-style (leftmost placement, unchanged base first): chr4-54263695-AATG-A. GRCh37 (hg19) VCF-style: chr4-55129862-AATG-A.
Other names: c.398_400del, p.Met133del (NM_001347827.2, NM_001347829.2); c.473_475del, p.Met158del (NM_001347828.2); c.437_439del, p.Met146del (NM_001347830.2); short protein forms M158del, M146del, M133del.
Identifiers: ClinVar variation 2121730 (VCV002121730.5), dbSNP rs2475433305, ClinGen allele CA2580071171.

ClinVar aggregate classification (germline): Uncertain significance. Review status: criteria provided, multiple submitters, no conflicts (2 of 4 stars). 2 submissions from 2 submitters: Uncertain significance (2). Last evaluated 2025-05-29.

Conditions:
Hereditary cancer-predisposing syndrome. Also called: Hereditary Cancer Syndrome; Hereditary neoplastic syndrome; Neoplastic Syndromes, Hereditary; Tumor predisposition. Identifiers: Orphanet 140162, MedGen C0027672, MeSH D009386, MONDO:0015356.
Gastrointestinal stromal tumor. Also called: Gastrointestinal stroma tumor; Gastrointestinal stromal tumor, somatic. Identifiers: Orphanet 44890, MedGen C0238198, MeSH D046152, MONDO:0011719, OMIM 606764, HP:0100723.

Submissions (2):

Ambry Genetics
Classification: Uncertain significance for Hereditary cancer-predisposing syndrome. Last evaluated: 2025-05-29. Review status: criteria provided, single submitter. Criteria: Ambry Variant Classification Scheme 2023. Collection method: clinical testing. Allele origin: germline.
Comment: The c.398_400delTGA variant (also known as p.M133del) is located in coding exon 3 of the PDGFRA gene. This variant results from an in-frame TGA deletion at nucleotide positions 398 to 400. This results in the in-frame deletion of a methionine at codon 133. This amino acid position is not well conserved in available vertebrate species. In addition, this variant is predicted to be neutral by in silico analysis (Choi Y et al. PLoS ONE. 2012; 7(10):e46688). Based on the available evidence, the clinical significance of this variant remains unclear.

Labcorp Genetics (formerly Invitae), Labcorp
Classification: Uncertain significance for Gastrointestinal stromal tumor. Last evaluated: 2022-04-05. Review status: criteria provided, single submitter. Criteria: Invitae Variant Classification Sherloc (09022015). Collection method: clinical testing. Allele origin: germline.
Comment: In summary, the available evidence is currently insufficient to determine the role of this variant in disease. Therefore, it has been classified as a Variant of Uncertain Significance. Experimental studies and prediction algorithms are not available or were not evaluated, and the functional significance of this variant is currently unknown. This variant has not been reported in the literature in individuals affected with PDGFRA-related conditions. This variant is not present in population databases (gnomAD no frequency). This variant, c.398_400del, results in the deletion of 1 amino acid(s) of the PDGFRA protein (p.Met133del), but otherwise preserves the integrity of the reading frame.